The following is an entry in ClinVar:

ClinVar aggregate classification (germline): Uncertain significance (1 of 4 stars; one submission).

Conditions:
Congenital anomalies of kidney and urinary tract syndrome with or without hearing loss, abnormal ears, or developmental delay. Also called: Congenital Anomalies of the Kidney and Urinary Tract syndrome with or without Hearing Loss, Abnormal Ears, or Developmental Delay. Identifiers: Orphanet 656130, MedGen C4539968, MONDO:0060549, OMIM 617641.

gnomAD v4.1: 4 of 1,546,412 alleles (0.00026%); highest among the groups gnomAD compares: Non-Finnish European, 0.00035%; no homozygotes.

Submission:

Clinical Genomics Laboratory, Washington University in St. Louis
Classification: Uncertain significance for Congenital anomalies of kidney and urinary tract syndrome with or without hearing loss, abnormal ears, or developmental delay. Last evaluated: 2026-05-06. Review status: criteria provided, single submitter. Criteria: ACMG Guidelines, 2015. Collection method: clinical testing. Allele origin: germline.
Comment: The PBX1 c.16A>G (p.Arg6Gly) variant, to our knowledge, has not been reported in the medical literature. This variant is only observed in 4/1,546,412 alleles in the general population (gnomAD v4.1.1), indicating it is not a common variant. Computational predictors are uncertain as to the impact of this variant on PBX1 function. Due to limited information, and based on ACMG/AMP guidelines for variant interpretation (Richards S et al., PMID: 25741868), the clinical significance of this variant is uncertain at this time.

NM_002585.4(PBX1):c.16A>G (p.Arg6Gly)

Gene: PBX1 (PBX homeobox 1; plus strand). Cytogenetic location: 1q23.3.
Variant type: single nucleotide variant.
Coding change: c.16A>G on transcript NM_002585.4 (MANE Select); coding-DNA position 16, A replaced by G.
Protein change: p.Arg6Gly; replaces arginine 6 with glycine.
Molecular consequence: missense variant. On other transcripts: 5 prime UTR variant (1).
Genome position (GRCh38, 1-based): chr1:164,559,838, A>G. VCF-style: chr1-164559838-A-G. GRCh37 (hg19) VCF-style: chr1-164529075-A-G.
Other names: c.16A>G, p.Arg6Gly (NM_001204961.2, NM_001204963.2, NM_001353131.2); c.-160A>G (NM_001353130.1); short protein forms R6G.
Identifiers: ClinVar variation 4879525 (VCV004879525.1).
Genomic context (GRCh38, chr1:164,559,838, plus strand): 5'-GAGGAGCAGAAGAGGAAGAGCCGGGGGCTGCCGTAGCCTTTGGAGATGGACGAGCAGCCC[A>G]GGCTGATGCATTCCCATGCTGGGGTCGGGATGGCCGGACACCCCGGCCTGTCCCAGCACT-3'
Protein context (NP_002576.1, residues 1-16): MDEQP[Arg6Gly]LMHSHAGVGM